The following is an entry in ClinVar:

NM_000520.6(HEXA):c.1073+10G>T

Gene: HEXA (hexosaminidase subunit alpha; minus strand). Cytogenetic location: 15q23.
Variant type: single nucleotide variant.
Coding change: c.1073+10G>T on transcript NM_000520.6 (MANE Select); 10 bases into the intron after coding-DNA position 1073, G replaced by T.
Molecular consequence: intron variant.
Genome position (GRCh38, 1-based): chr15:72,348,038, C>A on the plus strand (G>T on the coding strand, the complement: HEXA is on the minus strand). VCF-style: chr15-72348038-C-A. GRCh37 (hg19) VCF-style: chr15-72640379-C-A.
Other names: c.1106+10G>T (NM_001318825.2).
Identifiers: ClinVar variation 2168937 (VCV002168937.1), dbSNP rs1458405375, ClinGen allele CA971330932.

ClinVar aggregate classification (germline): Uncertain significance (1 of 4 stars; one submission).

Conditions:
Tay-Sachs disease (TSD). Also called: GM2 gangliosidosis, type 1; Hexosaminidase alpha-subunit deficiency (variant B); Sphingolipidosis, Tay-Sachs; Hexosaminidase A Deficiency; HEXA DEFICIENCY; HEXA Disorders. Identifiers: Orphanet 845, MedGen C0039373, MONDO:0010100, OMIM 272800.

Submission:

Labcorp Genetics (formerly Invitae), Labcorp
Classification: Uncertain significance for Tay-Sachs disease. Last evaluated: 2018-04-12. Review status: criteria provided, single submitter. Criteria: Invitae Variant Classification Sherloc (09022015). Collection method: clinical testing. Allele origin: germline.
Comment: This sequence change falls in intron 9 of the HEXA gene. It does not directly change the encoded amino acid sequence of the HEXA protein. This variant is not present in population databases (ExAC no frequency). This variant has not been reported in the literature in individuals with HEXA-related disease. Algorithms developed to predict the effect of sequence changes on RNA splicing suggest that this variant may create or strengthen a splice site, but this prediction has not been confirmed by published transcriptional studies. In summary, the available evidence is currently insufficient to determine the role of this variant in disease. Therefore, it has been classified as a Variant of Uncertain Significance.